The following is an entry in ClinVar:

ClinVar aggregate classification (germline): Uncertain significance (1 of 4 stars; one submission).

gnomAD v4.1: 27 of 1,614,030 alleles (0.0017%); highest among the groups gnomAD compares: Non-Finnish European, 0.0023%; no homozygotes.

Submission:

Labcorp Genetics (formerly Invitae), Labcorp
Classification: Uncertain significance. Last evaluated: 2025-09-19. Review status: criteria provided, single submitter. Criteria: Invitae Variant Classification Sherloc (09022015). Collection method: clinical testing. Allele origin: germline.
Comment: This sequence change replaces glycine, which is neutral and non-polar, with valine, which is neutral and non-polar, at codon 1347 of the TCF20 protein (p.Gly1347Val). This variant is present in population databases (no rsID available, gnomAD 0.002%). This variant has not been reported in the literature in individuals affected with TCF20-related conditions. An algorithm developed to predict the effect of missense changes on protein structure and function (PolyPhen-2) suggests that this variant is likely to be disruptive. In summary, the available evidence is currently insufficient to determine the role of this variant in disease. Therefore, it has been classified as a Variant of Uncertain Significance.

NM_001378418.1(TCF20):c.4040G>T (p.Gly1347Val)

Gene: TCF20 (transcription factor 20; minus strand). Cytogenetic location: 22q13.2.
Variant type: single nucleotide variant.
Coding change: c.4040G>T on transcript NM_001378418.1 (MANE Select); coding-DNA position 4040, G replaced by T.
Protein change: p.Gly1347Val; replaces glycine 1347 with valine.
Molecular consequence: missense variant.
Genome position (GRCh38, 1-based): chr22:42,211,266, C>A on the plus strand (G>T on the coding strand, the complement: TCF20 is on the minus strand). VCF-style: chr22-42211266-C-A. GRCh37 (hg19) VCF-style: chr22-42607272-C-A.
Other names: c.4040G>T, p.Gly1347Val (NM_005650.4, NM_181492.3); short protein forms G1347V.
Identifiers: ClinVar variation 4763059 (VCV004763059.1).